The following is an entry in ClinVar:

ClinVar aggregate classification (germline): Uncertain significance (1 of 4 stars; one submission).

Allele frequency attached by ClinVar (database versions not stated): gnomAD exomes below 0.00001; TOPMed below 0.00001; gnomAD 0.00001; ExAC 0.00002; 1000 Genomes Project 30x 0.00031; 1000 Genomes Project 0.00040.
gnomAD v4.1: 7 of 1,614,008 alleles (0.00043%); highest among the groups gnomAD compares: East Asian, 0.016%; no homozygotes.

Submission:

Labcorp Genetics (formerly Invitae), Labcorp
Classification: Uncertain significance. Last evaluated: 2022-03-15. Review status: criteria provided, single submitter. Criteria: Invitae Variant Classification Sherloc (09022015). Collection method: clinical testing. Allele origin: germline.
Comment: In summary, the available evidence is currently insufficient to determine the role of this variant in disease. Therefore, it has been classified as a Variant of Uncertain Significance. Algorithms developed to predict the effect of missense changes on protein structure and function (SIFT, PolyPhen-2, Align-GVGD) all suggest that this variant is likely to be tolerated. This variant has not been reported in the literature in individuals affected with ATP8A2-related conditions. This variant is present in population databases (rs537198642, gnomAD 0.02%). This sequence change replaces threonine, which is neutral and polar, with serine, which is neutral and polar, at codon 927 of the ATP8A2 protein (p.Thr927Ser).

NM_016529.6(ATP8A2):c.2780C>G (p.Thr927Ser)

Gene: ATP8A2 (ATPase phospholipid transporting 8A2). Cytogenetic location: 13q12.13.
Variant type: single nucleotide variant.
Coding change: c.2780C>G on transcript NM_016529.6 (MANE Select); coding-DNA position 2780, C replaced by G.
Protein change: p.Thr927Ser; replaces threonine 927 with serine.
Molecular consequence: missense variant.
Genome position (GRCh38, 1-based): chr13:25,837,188, C>G. VCF-style: chr13-25837188-C-G. GRCh37 (hg19) VCF-style: chr13-26411326-C-G.
Other names: c.2585C>G, p.Thr862Ser (NM_001313741.1); c.2705C>G, p.Thr902Ser (NM_001411005.1); c.2780C>G, p.Thr927Ser (NM_001411006.1); short protein forms T862S, T927S, T902S.
Identifiers: ClinVar variation 1936974 (VCV001936974.5), dbSNP rs537198642, ClinGen allele CA6923454.